The following is an entry in ClinVar:

NM_006899.5(IDH3B):c.398+3A>C

Gene: IDH3B (isocitrate dehydrogenase (NAD(+)) 3 non-catalytic subunit beta; minus strand). Cytogenetic location: 20p13.
Variant type: single nucleotide variant.
Coding change: c.398+3A>C on transcript NM_006899.5 (MANE Select); 3 bases into the intron after coding-DNA position 398, A replaced by C.
Molecular consequence: intron variant.
Genome position (GRCh38, 1-based): chr20:2,660,906, T>G on the plus strand (A>C on the coding strand, the complement: IDH3B is on the minus strand). VCF-style: chr20-2660906-T-G. GRCh37 (hg19) VCF-style: chr20-2641552-T-G.
Other names: c.398+3A>C (NM_174855.4, NM_001330763.2, NM_001258384.3).
Identifiers: ClinVar variation 963978 (VCV000963978.7), dbSNP rs200038043, ClinGen allele CA9735301.

ClinVar aggregate classification (germline): Uncertain significance (1 of 4 stars; one submission).

Allele frequency attached by ClinVar (database versions not stated): gnomAD 0.00001; TOPMed 0.00001; ExAC 0.00002; gnomAD exomes 0.00002 and 0.00004.
gnomAD v4.1: 61 of 1,613,998 alleles (0.0038%); highest among the groups gnomAD compares: Non-Finnish European, 0.005%; no homozygotes.

Submission:

Labcorp Genetics (formerly Invitae), Labcorp
Classification: Uncertain significance. Last evaluated: 2019-08-15. Review status: criteria provided, single submitter. Criteria: Invitae Variant Classification Sherloc (09022015). Collection method: clinical testing. Allele origin: germline.
Comment: This sequence change falls in intron 5 of the IDH3B gene. It does not directly change the encoded amino acid sequence of the IDH3B protein, but it affects a nucleotide within the consensus splice site of the intron. This variant is present in population databases (rs200038043, ExAC 0.003%). This variant has not been reported in the literature in individuals with IDH3B-related conditions. Nucleotide substitutions within the consensus splice site are a relatively common cause of aberrant splicing (PMID: 17576681, 9536098). Algorithms developed to predict the effect of sequence changes on RNA splicing suggest that this variant may disrupt the consensus splice site, but this prediction has not been confirmed by published transcriptional studies. In summary, the available evidence is currently insufficient to determine the role of this variant in disease. Therefore, it has been classified as a Variant of Uncertain Significance.

Literature cited by the submitters: PubMed 17576681; PubMed 9536098.